The following is an entry in ClinVar:

NM_206933.4(USH2A):c.10651T>C (p.Phe3551Leu)

Gene: USH2A (usherin; minus strand). Cytogenetic location: 1q41.
Variant type: single nucleotide variant.
Coding change: c.10651T>C on transcript NM_206933.4 (MANE Select); coding-DNA position 10651, T replaced by C.
Protein change: p.Phe3551Leu; replaces phenylalanine 3551 with leucine.
Molecular consequence: missense variant.
Genome position (GRCh38, 1-based): chr1:215,782,131, A>G on the plus strand (T>C on the coding strand, the complement: USH2A is on the minus strand). VCF-style: chr1-215782131-A-G. GRCh37 (hg19) VCF-style: chr1-215955473-A-G.
Other names: short protein forms F3551L.
Identifiers: ClinVar variation 1919571 (VCV001919571.2), dbSNP rs1661661322, ClinGen allele CA344836780.

ClinVar aggregate classification (germline): Uncertain significance (1 of 4 stars; one submission).

Allele frequency attached by ClinVar (database versions not stated): gnomAD exomes below 0.00001; gnomAD 0.00001.
gnomAD v4.1: 2 of 1,613,900 alleles (0.00012%); highest among the groups gnomAD compares: African/African-American, 0.0027%; no homozygotes.

Submission:

Labcorp Genetics (formerly Invitae), Labcorp
Classification: Uncertain significance. Last evaluated: 2022-01-17. Review status: criteria provided, single submitter. Criteria: Invitae Variant Classification Sherloc (09022015). Collection method: clinical testing. Allele origin: germline.
Comment: This sequence change replaces phenylalanine, which is neutral and non-polar, with leucine, which is neutral and non-polar, at codon 3551 of the USH2A protein (p.Phe3551Leu). This variant is not present in population databases (gnomAD no frequency). This variant has not been reported in the literature in individuals affected with USH2A-related conditions. Algorithms developed to predict the effect of missense changes on protein structure and function are either unavailable or do not agree on the potential impact of this missense change (SIFT: "Deleterious"; PolyPhen-2: "Probably Damaging"; Align-GVGD: "Class C15"). In summary, the available evidence is currently insufficient to determine the role of this variant in disease. Therefore, it has been classified as a Variant of Uncertain Significance.